The following is an entry in ClinVar:

NM_000252.3(MTM1):c.175A>G (p.Ile59Val)

Gene: MTM1 (myotubularin 1; plus strand). Cytogenetic location: Xq28.
Variant type: single nucleotide variant.
Coding change: c.175A>G on transcript NM_000252.3 (MANE Select); coding-DNA position 175, A replaced by G.
Protein change: p.Ile59Val; replaces isoleucine 59 with valine.
Molecular consequence: missense variant.
Genome position (GRCh38, 1-based): chrX:150,598,630, A>G. VCF-style: chrX-150598630-A-G. GRCh37 (hg19) VCF-style: chrX-149767094-A-G.
Other names: c.175A>G, p.Ile59Val (NM_001376906.1, NM_001376907.1, NM_001376908.1); short protein forms I59V.
Identifiers: ClinVar variation 944076 (VCV000944076.14), dbSNP rs782451760, ClinGen allele CA10539055.
Genomic context (GRCh38, chrX:150,598,630, plus strand): 5'-GGTACTTTTTTTATCTTAATAGACAAAGAAGTTATTTACATATGTCCTTTCAATGGCCCC[A>G]TTAAGGGAAGAGTTTACATCACAAATTATCGTCTTTATTTAAGAAGTTTGGAAACGGTAA-3'
Protein context (NP_000243.1, residues 49-69): VIYICPFNGP[Ile59Val]KGRVYITNYR

ClinVar aggregate classification (germline): Uncertain significance. Review status: criteria provided, multiple submitters, no conflicts (2 of 4 stars). 4 submissions from 4 submitters: Uncertain significance (3). 1 of the submissions does not count toward it. Last evaluated 2025-06-08.

Conditions:
Severe X-linked myotubular myopathy (CNMX). Also called: MYOTUBULAR MYOPATHY 1; X-linked centronuclear myopathy; Myotubular myopathy, X-linked. Identifiers: Orphanet 596, MedGen C0410203, MONDO:0010683, OMIM 310400.
Inborn genetic diseases. Identifiers: MedGen C0950123, MeSH D030342.

Allele frequency attached by ClinVar (database versions not stated): ExAC below 0.00001; gnomAD exomes 0.00002.
gnomAD v4.1: 27 of 1,202,486 alleles (0.0022%); highest among the groups gnomAD compares: Non-Finnish European, 0.0029%; no homozygotes.

Submissions (4):

Ambry Genetics
Classification: Uncertain significance for Inborn genetic diseases. Last evaluated: 2025-06-08. Review status: criteria provided, single submitter. Criteria: Ambry Variant Classification Scheme 2023. Collection method: clinical testing. Allele origin: germline.

Revvity Omics, Revvity
Classification: Uncertain significance. Last evaluated: 2023-06-21. Review status: criteria provided, single submitter. Criteria: ACMG Guidelines, 2015. Collection method: clinical testing. Allele origin: germline.

Labcorp Genetics (formerly Invitae), Labcorp
Classification: Uncertain significance for Severe X-linked myotubular myopathy. Last evaluated: 2021-09-01. Review status: criteria provided, single submitter. Criteria: Invitae Variant Classification Sherloc (09022015). Collection method: clinical testing. Allele origin: germline.
Comment: This sequence change replaces isoleucine with valine at codon 59 of the MTM1 protein (p.Ile59Val). The isoleucine residue is weakly conserved and there is a small physicochemical difference between isoleucine and valine. The frequency data for this variant in the population databases is considered unreliable, as metrics indicate poor data quality at this position in the ExAC database. This variant has not been reported in the literature in individuals affected with MTM1-related conditions. Algorithms developed to predict the effect of missense changes on protein structure and function (SIFT, PolyPhen-2, Align-GVGD) all suggest that this variant is likely to be tolerated. In summary, the available evidence is currently insufficient to determine the role of this variant in disease. Therefore, it has been classified as a Variant of Uncertain Significance.

Natera, Inc.
Classification: Uncertain significance for Severe X-linked myotubular myopathy. Last evaluated: 2021-07-23. Review status: no assertion criteria provided. Collection method: clinical testing. Allele origin: germline. Not counted in ClinVar's aggregate classification.